The following is an entry in ClinVar:

ClinVar aggregate classification (germline): Conflicting classifications of pathogenicity. Review status: criteria provided, conflicting classifications (1 of 4 stars). 7 submissions from 7 submitters: Uncertain significance (5); Likely benign (2). Last evaluated 2026-01-12.

Conditions:
Interstitial lung disease due to ABCA3 deficiency. Also called: PULMONARY ALVEOLAR PROTEINOSIS, CONGENITAL, 3. Identifiers: Orphanet 440402, MedGen C1970456, MONDO:0012582, OMIM 610921.
Hereditary pulmonary alveolar proteinosis. Also called: Pulmonary surfactant metabolism dysfunction. Identifiers: Orphanet 264675, MedGen C3711368, MONDO:0012580.

Allele frequency attached by ClinVar (database versions not stated): 1000 Genomes Project 0.00040; 1000 Genomes Project 30x 0.00047; ESP Exome Variant Server 0.00146; TOPMed 0.00172; gnomAD 0.00242.
gnomAD v4.1: 3,476 of 1,614,070 alleles (0.22%); highest among the groups gnomAD compares: Non-Finnish European, 0.27%; 3 homozygotes.

Submissions (7):

Labcorp Genetics (formerly Invitae), Labcorp
Classification: Likely benign. Last evaluated: 2026-01-12. Review status: criteria provided, single submitter. Criteria: Invitae Variant Classification Sherloc (09022015). Collection method: clinical testing. Allele origin: germline.

Blueprint Genetics
Classification: Uncertain significance. Last evaluated: 2024-11-20. Review status: criteria provided, single submitter. Criteria: ACMG Guidelines, 2015. Collection method: clinical testing. Allele origin: germline.

Ambry Genetics
Classification: Likely benign for Hereditary pulmonary alveolar proteinosis. Last evaluated: 2021-05-13. Review status: criteria provided, single submitter. Criteria: Ambry Variant Classification Scheme 2023. Collection method: clinical testing. Allele origin: germline.

Johns Hopkins Genomics, Johns Hopkins University
Classification: Uncertain significance for Interstitial lung disease due to ABCA3 deficiency. Last evaluated: 2021-01-29. Review status: criteria provided, single submitter. Criteria: ACMG Guidelines, 2015. Collection method: clinical testing. Allele origin: germline.

Eurofins Ntd Llc (ga)
Classification: Uncertain significance. Last evaluated: 2018-05-18. Review status: criteria provided, single submitter. Criteria: EGL ClinVar v180209 classification definitions. Collection method: clinical testing. Allele origin: germline. Observed: 1 variant allele, 1 heterozygote.

GeneDx
Classification: Uncertain significance. Last evaluated: 2018-03-13. Review status: criteria provided, single submitter. Criteria: GeneDx Variant Classification (06012015). Collection method: clinical testing. Allele origin: germline. Affected: yes.
Comment: The P770L variant in the ABCA3 gene has been previously reported as a single heterozygous variant in an infant with interstitial lung disease; a second variant in ABCA3, as would be expected with autosomal recessive ABCA3-related lung disease, was not identified and further evidence supporting the pathogenicity of this variant was not specified (Griese et al., 2015). Although not present in the homozygous state, the NHLBI ESP Exome Sequencing Project reports P770L was observed in 16/8600 (0.19%) alleles from individuals of European American background, indicating it may be a rare variant in this population. The P770L variant is a semi-conservative amino acid substitution, which may impact secondary protein structure as these residues differ in some properties. This substitution occurs at a position that is not conserved. In silico analysis is inconsistent in its predictions as to whether or not the variant is damaging to the protein structure/function. We interpret P770L as a variant of uncertain significance.

Illumina Laboratory Services, Illumina
Classification: Uncertain significance for Interstitial lung disease due to ABCA3 deficiency. Last evaluated: 2018-01-12. Review status: criteria provided, single submitter. Criteria: ICSL Variant Classification Criteria 13 December 2019. Collection method: clinical testing. Allele origin: germline.

Literature cited by the submitters: PubMed 24871971 (cited by Ambry Genetics and Johns Hopkins Genomics, Johns Hopkins University); PubMed 25692779 (cited by Ambry Genetics); PubMed 22866751 (cited by Johns Hopkins Genomics, Johns Hopkins University).

NM_001089.3(ABCA3):c.2309C>T (p.Pro770Leu)

Gene: ABCA3 (ATP binding cassette subfamily A member 3; minus strand). Cytogenetic location: 16p13.3.
Variant type: single nucleotide variant.
Coding change: c.2309C>T on transcript NM_001089.3 (MANE Select); coding-DNA position 2309, C replaced by T.
Protein change: p.Pro770Leu; replaces proline 770 with leucine.
Molecular consequence: missense variant.
Genome position (GRCh38, 1-based): chr16:2,295,695, G>A on the plus strand (C>T on the coding strand, the complement: ABCA3 is on the minus strand). VCF-style: chr16-2295695-G-A. GRCh37 (hg19) VCF-style: chr16-2345696-G-A.
Other names: short protein forms P770L.
Identifiers: ClinVar variation 318489 (VCV000318489.24), dbSNP rs143929832, ClinGen allele CA7840873.